The following is an entry in ClinVar:

NM_001006658.3(CR2):c.3230T>G (p.Leu1077Ter)

Gene: CR2 (complement C3d receptor 2; plus strand). Cytogenetic location: 1q32.2.
Variant type: single nucleotide variant.
Coding change: c.3230T>G on transcript NM_001006658.3 (MANE Select); coding-DNA position 3230, T replaced by G.
Protein change: p.Leu1077Ter; replaces leucine 1077 with a stop codon.
Molecular consequence: nonsense.
Genome position (GRCh38, 1-based): chr1:207,485,505, T>G. VCF-style: chr1-207485505-T-G. GRCh37 (hg19) VCF-style: chr1-207658850-T-G.
Other names: c.3053T>G, p.Leu1018Ter (NM_001877.5); short protein forms L1077*, L1018*.
Identifiers: ClinVar variation 2880311 (VCV002880311.3), dbSNP rs2527252200, ClinGen allele CA344543042.

ClinVar aggregate classification (germline): Pathogenic (1 of 4 stars; one submission).

Conditions:
Immunodeficiency, common variable, 7. Identifiers: Orphanet 1572, Orphanet 696894, MedGen C3542922, MONDO:0013862, OMIM 614699.

Allele frequency attached by ClinVar (database versions not stated): gnomAD exomes below 0.00001.
gnomAD v4.1: 1 of 1,613,618 alleles (0.000062%); highest among the groups gnomAD compares: Non-Finnish European, 0.000085%; no homozygotes.

Submission:

Labcorp Genetics (formerly Invitae), Labcorp
Classification: Pathogenic for Immunodeficiency, common variable, 7. Last evaluated: 2023-11-07. Review status: criteria provided, single submitter. Criteria: Invitae Variant Classification Sherloc (09022015). Collection method: clinical testing. Allele origin: germline.
Comment: This sequence change creates a premature translational stop signal (p.Leu1077*) in the CR2 gene. It is expected to result in an absent or disrupted protein product. Loss-of-function variants in CR2 are known to be pathogenic (PMID: 26325596, 28499783). This variant is not present in population databases (gnomAD no frequency). This variant has not been reported in the literature in individuals affected with CR2-related conditions. For these reasons, this variant has been classified as Pathogenic.

Literature cited by the submitters: PubMed 26325596; PubMed 28499783.